The following is an entry in ClinVar:

ClinVar aggregate classification (germline): Uncertain significance. Review status: criteria provided, multiple submitters, no conflicts (2 of 4 stars). 3 submissions from 3 submitters: Uncertain significance (3). Last evaluated 2024-12-13.

Conditions:
Hereditary cancer-predisposing syndrome. Also called: Tumor predisposition; Neoplastic Syndromes, Hereditary; Hereditary neoplastic syndrome; Hereditary Cancer Syndrome. Identifiers: Orphanet 140162, MedGen C0027672, MeSH D009386, MONDO:0015356.
Familial adenomatous polyposis 1 (FAP1). Also called: FAMILIAL ADENOMATOUS POLYPOSIS 1, ATTENUATED; POLYPOSIS, ADENOMATOUS INTESTINAL. Identifiers: MedGen C2713442, MONDO:0021056, OMIM 175100. Disease mechanism: loss of function.

Submissions (3):

Ambry Genetics
Classification: Uncertain significance for Hereditary cancer-predisposing syndrome. Last evaluated: 2024-12-13. Review status: criteria provided, single submitter. Criteria: Ambry Variant Classification Scheme 2023. Collection method: clinical testing. Allele origin: germline.
Comment: The p.G1735R variant (also known as c.5203G>A), located in coding exon 15 of the APC gene, results from a G to A substitution at nucleotide position 5203. The glycine at codon 1735 is replaced by arginine, an amino acid with dissimilar properties. This amino acid position is well conserved in available vertebrate species. In addition, in silico predictors for this gene do not accurately predict pathogenicity. Missense alterations in APC are not a common cause of disease (Spier I et al. Genet Med. 2024 Feb;26(2):100992). Based on the available evidence, the clinical significance of this variant remains unclear.

GeneDx
Classification: Uncertain significance. Last evaluated: 2023-02-17. Review status: criteria provided, single submitter. Criteria: GeneDx Variant Classification Process June 2021. Collection method: clinical testing. Allele origin: germline. Affected: yes.
Comment: Not observed at significant frequency in large population cohorts (gnomAD); In silico analysis supports that this missense variant does not alter protein structure/function; Has not been previously published as pathogenic or benign to our knowledge; This variant is associated with the following publications: (PMID: 18199528)

Labcorp Genetics (formerly Invitae), Labcorp
Classification: Uncertain significance for Familial adenomatous polyposis 1. Last evaluated: 2019-11-19. Review status: criteria provided, single submitter. Criteria: Invitae Variant Classification Sherloc (09022015). Collection method: clinical testing. Allele origin: germline.
Comment: This variant has not been reported in the literature in individuals with APC-related conditions. In summary, the available evidence is currently insufficient to determine the role of this variant in disease. Therefore, it has been classified as a Variant of Uncertain Significance. Algorithms developed to predict the effect of sequence changes on RNA splicing suggest that this variant may create or strengthen a splice site, but this prediction has not been confirmed by published transcriptional studies. Algorithms developed to predict the effect of missense changes on protein structure and function (SIFT, PolyPhen-2, Align-GVGD) all suggest that this variant is likely to be disruptive, but these predictions have not been confirmed by published functional studies and their clinical significance is uncertain. This variant is not present in population databases (ExAC no frequency). This sequence change replaces glycine with arginine at codon 1735 of the APC protein (p.Gly1735Arg). The glycine residue is highly conserved and there is a moderate physicochemical difference between glycine and arginine.

NM_000038.6(APC):c.5203G>A (p.Gly1735Arg)

Gene: APC (APC regulator of Wnt signaling pathway; plus strand). Cytogenetic location: 5q22.2.
Variant type: single nucleotide variant.
Coding change: c.5203G>A on transcript NM_000038.6 (MANE Select); coding-DNA position 5203, G replaced by A.
Protein change: p.Gly1735Arg; replaces glycine 1735 with arginine.
Molecular consequence: missense variant.
Genome position (GRCh38, 1-based): chr5:112,840,797, G>A. VCF-style: chr5-112840797-G-A. GRCh37 (hg19) VCF-style: chr5-112176494-G-A.
Other names: c.5203G>A, p.Gly1735Arg (NM_001127510.3, NM_001354895.2); c.5149G>A, p.Gly1717Arg (NM_001127511.3); c.5257G>A, p.Gly1753Arg (NM_001354896.2); c.5233G>A, p.Gly1745Arg (NM_001354897.2); c.5128G>A, p.Gly1710Arg (NM_001354898.2); c.5119G>A, p.Gly1707Arg (NM_001354899.2); c.5080G>A, p.Gly1694Arg (NM_001354900.2); c.5026G>A, p.Gly1676Arg (NM_001354901.2); and 5 more; short protein forms G1707R, G1753R, G1452R, G1575R, G1644R, G1694R, G1634R, G1676R.
Identifiers: ClinVar variation 848800 (VCV000848800.14), dbSNP rs1765877779, ClinGen allele CA16032703.